The following is an entry in ClinVar:

ClinVar aggregate classification (germline): Uncertain significance. Review status: criteria provided, multiple submitters, no conflicts (2 of 4 stars). 2 submissions from 2 submitters: Uncertain significance (2). Last evaluated 2025-10-23.

Conditions:
Juvenile polyposis syndrome (JPS). Identifiers: Orphanet 2929, MedGen C0345893, MONDO:0017380, OMIM 174900.
Hereditary cancer-predisposing syndrome. Also called: Tumor predisposition; Hereditary neoplastic syndrome; Neoplastic Syndromes, Hereditary; Hereditary Cancer Syndrome. Identifiers: Orphanet 140162, MedGen C0027672, MeSH D009386, MONDO:0015356.

Submissions (2):

Ambry Genetics
Classification: Uncertain significance for Hereditary cancer-predisposing syndrome. Last evaluated: 2025-10-23. Review status: criteria provided, single submitter. Criteria: Ambry Variant Classification Scheme 2023. Collection method: clinical testing. Allele origin: germline.
Comment: The p.F83Y variant (also known as c.248T>A), located in coding exon 3 of the BMPR1A gene, results from a T to A substitution at nucleotide position 248. The phenylalanine at codon 83 is replaced by tyrosine, an amino acid with highly similar properties. This amino acid position is highly conserved in available vertebrate species. In addition, the in silico prediction for this alteration is inconclusive. Based on the available evidence, the clinical significance of this variant remains unclear.

Labcorp Genetics (formerly Invitae), Labcorp
Classification: Uncertain significance for Juvenile polyposis syndrome. Last evaluated: 2024-05-28. Review status: criteria provided, single submitter. Criteria: Invitae Variant Classification Sherloc (09022015). Collection method: clinical testing. Allele origin: germline.
Comment: This sequence change replaces phenylalanine, which is neutral and non-polar, with tyrosine, which is neutral and polar, at codon 83 of the BMPR1A protein (p.Phe83Tyr). This variant is not present in population databases (gnomAD no frequency). This variant has not been reported in the literature in individuals affected with BMPR1A-related conditions. ClinVar contains an entry for this variant (Variation ID: 937335). Advanced modeling of protein sequence and biophysical properties (such as structural, functional, and spatial information, amino acid conservation, physicochemical variation, residue mobility, and thermodynamic stability) performed at Invitae indicates that this missense variant is not expected to disrupt BMPR1A protein function with a negative predictive value of 95%. In summary, the available evidence is currently insufficient to determine the role of this variant in disease. Therefore, it has been classified as a Variant of Uncertain Significance.

NM_004329.3(BMPR1A):c.248T>A (p.Phe83Tyr)

Gene: BMPR1A (bone morphogenetic protein receptor type 1A; plus strand). Cytogenetic location: 10q23.2.
Variant type: single nucleotide variant.
Coding change: c.248T>A on transcript NM_004329.3 (MANE Select); coding-DNA position 248, T replaced by A.
Protein change: p.Phe83Tyr; replaces phenylalanine 83 with tyrosine.
Molecular consequence: missense variant.
Genome position (GRCh38, 1-based): chr10:86,892,144, T>A. VCF-style: chr10-86892144-T-A. GRCh37 (hg19) VCF-style: chr10-88651901-T-A.
Other names: short protein forms F83Y.
Identifiers: ClinVar variation 937335 (VCV000937335.13), dbSNP rs1843160072, ClinGen allele CA377447972.